The following is an entry in ClinVar:

NM_001199138.2(NLRC4):c.2674G>A (p.Val892Met)

Gene: NLRC4 (NLR family CARD domain containing 4; minus strand). Cytogenetic location: 2p22.3.
Variant type: single nucleotide variant.
Coding change: c.2674G>A on transcript NM_001199138.2 (MANE Select); coding-DNA position 2674, G replaced by A.
Protein change: p.Val892Met; replaces valine 892 with methionine.
Molecular consequence: missense variant.
Genome position (GRCh38, 1-based): chr2:32,235,509, C>T on the plus strand (G>A on the coding strand, the complement: NLRC4 is on the minus strand). VCF-style: chr2-32235509-C-T. GRCh37 (hg19) VCF-style: chr2-32460578-C-T.
Other names: c.2674G>A, p.Val892Met (NM_001199139.2, NM_021209.5); c.679G>A, p.Val227Met (NM_001302504.2); short protein forms V892M, V227M.
Identifiers: ClinVar variation 650029 (VCV000650029.11), dbSNP rs753697675, ClinGen allele CA1601726.

ClinVar aggregate classification (germline): Uncertain significance. Review status: criteria provided, multiple submitters, no conflicts (2 of 4 stars). 2 submissions from 2 submitters: Uncertain significance (2). Last evaluated 2024-12-07.

Conditions:
Periodic fever-infantile enterocolitis-autoinflammatory syndrome. Also called: Autoinflammation with infantile enterocolitis. Identifiers: Orphanet 436166, MedGen C4015067, MONDO:0014472, OMIM 616050.
Familial cold autoinflammatory syndrome 4 (FCAS4). Identifiers: Orphanet 47045, Orphanet 576349, MedGen C4015276, MONDO:0014498, OMIM 616115.

Allele frequency attached by ClinVar (database versions not stated): ExAC 0.00002; gnomAD 0.00003; gnomAD exomes 0.00003; TOPMed 0.00003.
gnomAD v4.1: 50 of 1,614,006 alleles (0.0031%); highest among the groups gnomAD compares: African/African-American, 0.004%; no homozygotes.

Submissions (2):

Labcorp Genetics (formerly Invitae), Labcorp
Classification: Uncertain significance for Periodic fever-infantile enterocolitis-autoinflammatory syndrome; Familial cold autoinflammatory syndrome 4. Last evaluated: 2024-12-07. Review status: criteria provided, single submitter. Criteria: Invitae Variant Classification Sherloc (09022015). Collection method: clinical testing. Allele origin: germline.
Comment: This sequence change replaces valine, which is neutral and non-polar, with methionine, which is neutral and non-polar, at codon 892 of the NLRC4 protein (p.Val892Met). This variant is present in population databases (rs753697675, gnomAD 0.01%). This variant has not been reported in the literature in individuals affected with NLRC4-related conditions. ClinVar contains an entry for this variant (Variation ID: 650029). Invitae Evidence Modeling of protein sequence and biophysical properties (such as structural, functional, and spatial information, amino acid conservation, physicochemical variation, residue mobility, and thermodynamic stability) has been performed for this missense variant. However, the output from this modeling did not meet the statistical confidence thresholds required to predict the impact of this variant on NLRC4 protein function. In summary, the available evidence is currently insufficient to determine the role of this variant in disease. Therefore, it has been classified as a Variant of Uncertain Significance.

Blueprint Genetics
Classification: Uncertain significance. Last evaluated: 2024-05-30. Review status: criteria provided, single submitter. Criteria: ACMG Guidelines, 2015. Collection method: clinical testing. Allele origin: germline.